The following is an entry in ClinVar:

NM_020944.3(GBA2):c.1408del (p.Arg470fs)

Gene: GBA2 (glucosylceramidase beta 2; minus strand). Cytogenetic location: 9p13.3.
Variant type: Deletion.
Coding change: c.1408del on transcript NM_020944.3 (MANE Select); coding-DNA position 1408, one base deleted (A; older notation c.1408delA).
Protein change: p.Arg470fs; shifts the reading frame from arginine 470.
Molecular consequence: frameshift variant.
Genome position (GRCh38, 1-based): chr9:35,739,999, T deleted on the plus strand (A on the coding strand, the reverse complement: GBA2 is on the minus strand). VCF-style (leftmost placement, unchanged base first): chr9-35739998-CT-C. GRCh37 (hg19) VCF-style: chr9-35739995-CT-C.
Other names: c.1408del, p.Arg470fs (NM_001330660.2); short protein forms R470fs.
Identifiers: ClinVar variation 3731279 (VCV003731279.1).
Genomic context (GRCh38, chr9:35,739,998, plus strand): 5'-GAGGAGTCCCATTTGGAGTGAGTGCCCAGGAGAAAGGCAAGAAATGGGCCCCACTGGCAC[CT>C]GTCATCCAATACCGGGCTCTGCCAAGCTGAGATCCTCTCTTCCCACTCTGCGTATCGGCA-3'

ClinVar aggregate classification (germline): Uncertain significance (1 of 4 stars; one submission).

Conditions:
Hereditary spastic paraplegia 46. Also called: Spastic paraplegia 46, autosomal recessive. Identifiers: Orphanet 320391, MedGen C2828721, MONDO:0013737, OMIM 614409.

Submission:

Neuberg Centre For Genomic Medicine, NCGM
Classification: Uncertain significance for Hereditary spastic paraplegia 46. Review status: criteria provided, single submitter. Criteria: ACMG Guidelines, 2015. Collection method: clinical testing. Allele origin: germline. Inheritance: Autosomal recessive inheritance. Affected: yes.
Comment: The observed frameshift c.1408del(p.Arg470AspfsTer102) variant in GBA2 gene has not been reported previously as a pathogenic variant nor as a benign variant, to our knowledge. This variant is absent in gnomAD Exomes. This variant causes a frameshift starting with codon Arginine 470, changes this amino acid to Aspartic Acid residue, and creates a premature Stop codon at position 102 of the new reading frame, denoted p.Arg470AspfsTer102. This variant is predicted to cause loss of normal protein function through protein truncation. Loss of function variants have been previously reported to be disease causing. However, study of the variant in multiple affected individuals and its functional impact on the protein is required to determine the pathogenicity of the variant. For these reasons, this variant has been classified as Uncertain Significance.